The following is an entry in ClinVar:

ClinVar aggregate classification (germline): Uncertain significance. Review status: criteria provided, multiple submitters, no conflicts (2 of 4 stars). 2 submissions from 2 submitters: Uncertain significance (2). Last evaluated 2025-02-03.

Conditions:
Hereditary cancer-predisposing syndrome. Also called: Tumor predisposition; Hereditary neoplastic syndrome; Neoplastic Syndromes, Hereditary; Hereditary Cancer Syndrome. Identifiers: Orphanet 140162, MedGen C0027672, MeSH D009386, MONDO:0015356.
Familial cancer of breast. Also called: Hereditary breast cancer; BREAST CANCER, FAMILIAL; hereditary breast carcinoma. Identifiers: Orphanet 227535, MedGen C0346153, MONDO:0016419, OMIM 114480. Disease mechanism: loss of function.

Submissions (2):

Labcorp Genetics (formerly Invitae), Labcorp
Classification: Uncertain significance for Familial cancer of breast. Last evaluated: 2025-02-03. Review status: criteria provided, single submitter. Criteria: Invitae Variant Classification Sherloc (09022015). Collection method: clinical testing. Allele origin: germline.
Comment: This sequence change falls in intron 5 of the PALB2 gene. It does not directly change the encoded amino acid sequence of the PALB2 protein. This variant is not present in population databases (gnomAD no frequency). This variant has not been reported in the literature in individuals affected with PALB2-related conditions. Experimental studies and prediction algorithms are not available or were not evaluated, and the effect of this variant on mRNA splicing is currently unknown. In summary, the available evidence is currently insufficient to determine the role of this variant in disease. Therefore, it has been classified as a Variant of Uncertain Significance.

Ambry Genetics
Classification: Uncertain significance for Hereditary cancer-predisposing syndrome. Last evaluated: 2024-05-28. Review status: criteria provided, single submitter. Criteria: Ambry Variant Classification Scheme 2023. Collection method: clinical testing. Allele origin: germline.
Comment: The c.2515-3_2515-2delCA intronic variant, located in intron 5 of the PALB2 gene, results from a deletion of two nucleotides within intron 5 of the PALB2 gene. Alterations that disrupt the canonical splice site are expected to result in aberrant splicing. In silico splice site analysis for this alteration is inconclusive. The resulting transcript is predicted to be in-frame and is not expected to trigger nonsense-mediated mRNAdecay; however, direct evidence is unavailable. The exact functional effect of the altered amino acid sequence is unknown. This nucleotide positions are highly conserved in available vertebrate species. Based on the available evidence, the clinical significance of this variant remains unclear.

NM_024675.4(PALB2):c.2515-3_2515-2del

Gene: PALB2 (partner and localizer of BRCA2; minus strand). Cytogenetic location: 16p12.2.
Variant type: Microsatellite.
Coding change: c.2515-3_2515-2del on transcript NM_024675.4 (MANE Select); 3 bases into the intron before coding-DNA position 2515 through the canonical splice acceptor site of the intron before coding-DNA position 2515, 2 bases deleted (CA; older notation c.2515-3_2515-2delCA).
Molecular consequence: splice acceptor variant.
Genome position (GRCh38, 1-based): chr16:23,629,277-23,629,278, TG deleted on the plus strand (CA on the coding strand, the reverse complement: PALB2 is on the minus strand); deleting any 2 consecutive bases within chr16:23,629,277-23,629,280 gives the same sequence; the c. name uses the placement nearest the transcript's 3' end. VCF-style (leftmost placement, unchanged base first): chr16-23629276-CTG-C. GRCh37 (hg19) VCF-style: chr16-23640597-CTG-C.
Other names: c.2515-3_2515-2delCA (NM_024675.3).
Identifiers: ClinVar variation 1940464 (VCV001940464.6), dbSNP rs2506398084, ClinGen allele CA2580612743.